The following is an entry in ClinVar:

NM_002519.3(NPAT):c.2386G>A (p.Val796Ile)

Gene: NPAT (nuclear protein, coactivator of histone transcription; minus strand). Cytogenetic location: 11q22.3.
Variant type: single nucleotide variant.
Coding change: c.2386G>A on transcript NM_002519.3 (MANE Select); coding-DNA position 2386, G replaced by A.
Protein change: p.Val796Ile; replaces valine 796 with isoleucine.
Molecular consequence: missense variant.
Genome position (GRCh38, 1-based): chr11:108,172,598, C>T on the plus strand (G>A on the coding strand, the complement: NPAT is on the minus strand). VCF-style: chr11-108172598-C-T. GRCh37 (hg19) VCF-style: chr11-108043325-C-T.
Other names: c.2386G>A, p.Val796Ile (NM_001321307.1); short protein forms V796I.
Identifiers: ClinVar variation 3300631 (VCV003300631.1).

ClinVar aggregate classification (germline): Uncertain significance (1 of 4 stars; one submission).

Submission:

Ambry Genetics
Classification: Uncertain significance. Last evaluated: 2024-06-11. Review status: criteria provided, single submitter. Criteria: Ambry Variant Classification Scheme 2023. Collection method: clinical testing. Allele origin: germline.
Comment: The p.V796I variant (also known as c.2386G>A), located in coding exon 13 of the NPAT gene, results from a G to A substitution at nucleotide position 2386. The valine at codon 796 is replaced by isoleucine, an amino acid with highly similar properties. This amino acid position is conserved. In addition, this alteration is predicted to be tolerated by in silico analysis. Based on the available evidence, the clinical significance of this variant remains unclear.